The following is an entry in ClinVar:

NM_000059.4(BRCA2):c.9836dup (p.Leu3279fs)

Gene: BRCA2 (BRCA2 DNA repair associated; plus strand). Cytogenetic location: 13q13.1.
Variant type: Duplication.
Coding change: c.9836dup on transcript NM_000059.4 (MANE Select); coding-DNA position 9836, one base duplicated (T; older notation c.9836dupT).
Protein change: p.Leu3279fs; shifts the reading frame from leucine 3279.
Molecular consequence: frameshift variant.
Genome position (GRCh38, 1-based): chr13:32,398,349, T duplicated; the last of 3 consecutive T bases (chr13:32,398,347-32,398,349); duplicating any one gives the same sequence. VCF-style (leftmost placement, unchanged base first): chr13-32398346-C-CT. GRCh37 (hg19) VCF-style: chr13-32972483-C-CT.
Other names: short protein forms L3279fs.
Identifiers: ClinVar variation 1451628 (VCV001451628.6), dbSNP rs2137664254, ClinGen allele CA2573149524.

ClinVar aggregate classification (germline): Pathogenic (1 of 4 stars; one submission).

Conditions:
Hereditary breast ovarian cancer syndrome. Also called: BRCA1- and BRCA2-Associated Hereditary Breast and Ovarian Cancer; Hereditary breast and ovarian cancer; Hereditary breast and ovarian cancer syndrome (HBOC); Hereditary breast and/or ovarian cancer syndrome; Hereditary breast and ovarian cancer syndrome; Breast and ovarian cancer. Identifiers: Orphanet 145, MedGen C0677776, MeSH D061325, MONDO:0003582. Disease mechanism: loss of function.

Submission:

Labcorp Genetics (formerly Invitae), Labcorp
Classification: Pathogenic for Hereditary breast ovarian cancer syndrome. Last evaluated: 2021-11-17. Review status: criteria provided, single submitter. Criteria: Invitae Variant Classification Sherloc (09022015). Collection method: clinical testing. Allele origin: germline.
Comment: This variant is not present in population databases (gnomAD no frequency). For these reasons, this variant has been classified as Pathogenic. This variant disrupts a region of the BRCA2 protein in which other variant(s) (p.Tyr3308*) have been determined to be pathogenic (PMID: 17026620, 18593900, 18607349, 22711857). This suggests that this is a clinically significant region of the protein, and that variants that disrupt it are likely to be disease-causing. This variant has not been reported in the literature in individuals affected with BRCA2-related conditions. This sequence change creates a premature translational stop signal (p.Leu3279Phefs*6) in the BRCA2 gene. While this is not anticipated to result in nonsense mediated decay, it is expected to disrupt the last 140 amino acid(s) of the BRCA2 protein.

Literature cited by the submitters: PubMed 17026620; PubMed 18593900; PubMed 18607349; PubMed 22711857.